The following is an entry in ClinVar:

ClinVar aggregate classification (germline): Conflicting classifications of pathogenicity. Review status: criteria provided, conflicting classifications (1 of 4 stars). 2 submissions from 2 submitters: Uncertain significance (1); Likely benign (1). Last evaluated 2026-03-01.

Conditions:
MAP1B-related disorder. Also called: MAP1B-related condition.

gnomAD v4.1: 39 of 1,613,984 alleles (0.0024%); highest among the groups gnomAD compares: Non-Finnish European, 0.003%; no homozygotes.

Submissions (2):

CeGaT Center for Human Genetics Tuebingen
Classification: Likely benign. Last evaluated: 2026-03-01. Review status: criteria provided, single submitter. Criteria: CeGaT Center For Human Genetics Tuebingen Variant Classification Criteria Version 2. Collection method: clinical testing. Allele origin: germline. Affected: yes. Observed: 1 variant allele.
Comment: MAP1B: BP4

PreventionGenetics, part of Exact Sciences
Classification: Uncertain significance for MAP1B-related condition. Last evaluated: 2024-12-06. Review status: criteria provided, single submitter. Criteria: ACMG Guidelines, 2015. Collection method: clinical testing. Allele origin: germline.
Comment: The MAP1B c.5772G>T variant is predicted to result in the amino acid substitution p.Glu1924Asp. To our knowledge, this variant has not been reported in the literature. This variant is reported in 0.0029% of alleles in individuals of Latino descent in gnomAD. At this time, the clinical significance of this variant is uncertain due to the absence of conclusive functional and genetic evidence.

NM_005909.5(MAP1B):c.5772G>T (p.Glu1924Asp)

Gene: MAP1B (microtubule associated protein 1B; plus strand). Cytogenetic location: 5q13.2.
Variant type: single nucleotide variant.
Coding change: c.5772G>T on transcript NM_005909.5 (MANE Select); coding-DNA position 5772, G replaced by T.
Protein change: p.Glu1924Asp; replaces glutamic acid 1924 with aspartic acid.
Molecular consequence: missense variant.
Genome position (GRCh38, 1-based): chr5:72,199,127, G>T. VCF-style: chr5-72199127-G-T. GRCh37 (hg19) VCF-style: chr5-71494954-G-T.
Other names: c.5394G>T, p.Glu1798Asp (NM_001324255.2); c.5772G>T (NM_005909.4); short protein forms E1798D, E1924D.
Identifiers: ClinVar variation 4822119 (VCV004822119.5).
Genomic context (GRCh38, chr5:72,199,127, plus strand): 5'-TTACTATGAGAAGATAGAGAGAACCACAAAATCTCCAAGTGACAGTGGCTACTCCTATGA[G>T]ACCATTGGGAAAACTACCAAGACCCCTGAAGATGGTGACTATTCCTATGAAATTATTGAG-3'
Protein context (NP_005900.2, residues 1914-1934): KSPSDSGYSY[Glu1924Asp]TIGKTTKTPE